The following is an entry in ClinVar:

ClinVar aggregate classification (germline): Uncertain significance. Review status: criteria provided, multiple submitters, no conflicts (2 of 4 stars). 2 submissions from 2 submitters: Uncertain significance (2). Last evaluated 2025-08-07.

Conditions:
Inborn genetic diseases. Identifiers: MedGen C0950123, MeSH D030342.

gnomAD v4.1: 16 of 1,586,184 alleles (0.001%); highest among the groups gnomAD compares: Middle Eastern, 0.019%; no homozygotes.

Submissions (2):

Ambry Genetics
Classification: Uncertain significance for Inborn genetic diseases. Last evaluated: 2025-08-07. Review status: criteria provided, single submitter. Criteria: Ambry Variant Classification Scheme 2023. Collection method: clinical testing. Allele origin: germline.

Labcorp Genetics (formerly Invitae), Labcorp
Classification: Uncertain significance. Last evaluated: 2022-09-01. Review status: criteria provided, single submitter. Criteria: Invitae Variant Classification Sherloc (09022015). Collection method: clinical testing. Allele origin: germline.
Comment: In summary, the available evidence is currently insufficient to determine the role of this variant in disease. Therefore, it has been classified as a Variant of Uncertain Significance. Algorithms developed to predict the effect of missense changes on protein structure and function (SIFT, PolyPhen-2, Align-GVGD) all suggest that this variant is likely to be disruptive. This variant has not been reported in the literature in individuals affected with MYH14-related conditions. The frequency data for this variant in the population databases is considered unreliable, as metrics indicate poor data quality at this position in the gnomAD database. This sequence change replaces arginine, which is basic and polar, with leucine, which is neutral and non-polar, at codon 1629 of the MYH14 protein (p.Arg1629Leu).

NM_001145809.2(MYH14):c.5009G>T (p.Arg1670Leu)

Gene: MYH14 (myosin heavy chain 14; plus strand). Cytogenetic location: 19q13.33.
Variant type: single nucleotide variant.
Coding change: c.5009G>T on transcript NM_001145809.2 (MANE Select); coding-DNA position 5009, G replaced by T.
Protein change: p.Arg1670Leu; replaces arginine 1670 with leucine.
Molecular consequence: missense variant.
Genome position (GRCh38, 1-based): chr19:50,290,930, G>T. VCF-style: chr19-50290930-G-T. GRCh37 (hg19) VCF-style: chr19-50794187-G-T.
Other names: c.4910G>T, p.Arg1637Leu (NM_001077186.2); c.4886G>T, p.Arg1629Leu (NM_024729.4); c.4886G>T (NM_024729.3); short protein forms R1637L, R1629L, R1670L.
Identifiers: ClinVar variation 2065809 (VCV002065809.7), dbSNP rs759824498, ClinGen allele CA9593665.